The following is an entry in ClinVar:

ClinVar aggregate classification (germline): Likely benign. Review status: criteria provided, multiple submitters, no conflicts (2 of 4 stars). 2 submissions from 2 submitters: Likely benign (2). Last evaluated 2026-08-01.

Allele frequency attached by ClinVar (database versions not stated): TOPMed 0.00465; ExAC 0.00481; gnomAD 0.00491; 1000 Genomes Project 30x 0.00156; 1000 Genomes Project 0.00160; ESP Exome Variant Server 0.00439.
gnomAD v4.1: 11,311 of 1,614,088 alleles (0.7%); highest among the groups gnomAD compares: Non-Finnish European, 0.83%; 52 homozygotes.

Submissions (2):

CeGaT Center for Human Genetics Tuebingen
Classification: Likely benign. Last evaluated: 2026-08-01. Review status: criteria provided, single submitter. Criteria: CeGaT Center For Human Genetics Tuebingen Variant Classification Criteria Version 2. Collection method: clinical testing. Allele origin: germline. Affected: yes. Observed: 9 variant alleles.
Comment: LRRC51: BS2; LRTOMT: BS2

Blueprint Genetics
Classification: Likely benign. Last evaluated: 2024-11-25. Review status: criteria provided, single submitter. Criteria: ACMG Guidelines, 2015. Collection method: clinical testing. Allele origin: germline.

NM_145309.6(LRRC51):c.37G>A (p.Glu13Lys)

Genes: LRRC51 (leucine rich repeat containing 51; plus strand), LRTOMT (leucine rich transmembrane and O-methyltransferase domain containing; plus strand). Cytogenetic location: 11q13.4.
Variant type: single nucleotide variant.
Coding change: c.37G>A on transcript NM_145309.6 (MANE Select); coding-DNA position 37, G replaced by A.
Protein change: p.Glu13Lys; replaces glutamic acid 13 with lysine.
Molecular consequence: missense variant. On other transcripts: non-coding transcript variant (1), 5 prime UTR variant (2), intron variant (2).
Genome position (GRCh38, 1-based): chr11:72,089,120, G>A. VCF-style: chr11-72089120-G-A. GRCh37 (hg19) VCF-style: chr11-71800166-G-A.
Other names: c.37G>A, p.Glu13Lys (NM_001145307.5, NM_001271471.3, NM_001318803.2); c.-367G>A (NM_001145309.4, NM_001145310.4); c.-321-4376G>A (NM_001145308.5); c.28+740G>A (NM_001205138.4); short protein forms E13K.
Identifiers: ClinVar variation 2642116 (VCV002642116.25), dbSNP rs146942815, ClinGen allele CA6168100.